The following is an entry in ClinVar:

NM_005732.4(RAD50):c.3797T>G (p.Val1266Gly)

Genes: TH2LCRR (T helper type 2 locus control region associated RNA; minus strand), RAD50 (RAD50 double strand break repair protein; plus strand). Cytogenetic location: 5q31.1.
Variant type: single nucleotide variant.
Coding change: c.3797T>G on transcript NM_005732.4 (MANE Select); coding-DNA position 3797, T replaced by G.
Protein change: p.Val1266Gly; replaces valine 1266 with glycine.
Molecular consequence: missense variant. On other transcripts: non-coding transcript variant (1).
Genome position (GRCh38, 1-based): chr5:132,642,222, T>G. VCF-style: chr5-132642222-T-G. GRCh37 (hg19) VCF-style: chr5-131977914-T-G.
Other names: short protein forms V1266G.
Identifiers: ClinVar variation 408412 (VCV000408412.11), dbSNP rs1060501971, ClinGen allele CA16611757.

ClinVar aggregate classification (germline): Uncertain significance (1 of 4 stars; one submission).

Conditions:
Hereditary cancer-predisposing syndrome. Also called: Hereditary Cancer Syndrome; Hereditary neoplastic syndrome; Neoplastic Syndromes, Hereditary; Tumor predisposition. Identifiers: Orphanet 140162, MedGen C0027672, MeSH D009386, MONDO:0015356.

Submission:

Labcorp Genetics (formerly Invitae), Labcorp
Classification: Uncertain significance for Hereditary cancer-predisposing syndrome. Last evaluated: 2019-11-13. Review status: criteria provided, single submitter. Criteria: Invitae Variant Classification Sherloc (09022015). Collection method: clinical testing. Allele origin: germline.
Comment: In summary, this variant is a novel missense change with uncertain impact on protein function. It has been classified as a Variant of Uncertain Significance. Algorithms developed to predict the effect of missense changes on protein structure and function do not agree on the potential impact of this missense change (SIFT: "Deleterious"; PolyPhen-2: "Possibly Damaging"; Align-GVGD: "Class C0"). This variant is not present in population databases (ExAC no frequency) and has not been reported in the literature in individuals with a RAD50-related disease. This sequence change replaces valine with glycine at codon 1266 of the RAD50 protein (p.Val1266Gly). The valine residue is moderately conserved and there is a moderate physicochemical difference between valine and glycine.